The following is an entry in ClinVar:

NM_000179.3(MSH6):c.3733T>C (p.Phe1245Leu)

Gene: MSH6 (mutS homolog 6; plus strand). Cytogenetic location: 2p16.3.
Variant type: single nucleotide variant.
Coding change: c.3733T>C on transcript NM_000179.3 (MANE Select); coding-DNA position 3733, T replaced by C.
Protein change: p.Phe1245Leu; replaces phenylalanine 1245 with leucine.
Molecular consequence: missense variant. On other transcripts: non-coding transcript variant (5).
Genome position (GRCh38, 1-based): chr2:47,806,290, T>C. VCF-style: chr2-47806290-T-C. GRCh37 (hg19) VCF-style: chr2-48033429-T-C.
Other names: c.3436T>C, p.Phe1146Leu (NM_001406819.1, NM_001406820.1, NM_001406821.1 and 10 more transcripts); c.2827T>C, p.Phe943Leu (NM_001406823.1, NM_001406829.1, NM_001281493.2 and 6 more transcripts); c.3565T>C, p.Phe1189Leu (NM_001406826.1); c.514T>C, p.Phe172Leu (NM_001406831.1); c.580T>C, p.Phe194Leu (NM_001406832.1); c.1678T>C, p.Phe560Leu (NM_001407362.1); c.3343T>C, p.Phe1115Leu (NM_001281492.2); c.3829T>C, p.Phe1277Leu (NM_001406795.1, NM_001406802.1); and 7 more; short protein forms F1070L, F1115L, F1146L, F1187L, F1189L, F1219L, F1245L, F1247L.
Identifiers: ClinVar variation 3894338 (VCV003894338.1).

ClinVar aggregate classification (germline): Uncertain significance (1 of 4 stars; one submission).

Conditions:
Hereditary cancer-predisposing syndrome. Also called: Neoplastic Syndromes, Hereditary; Tumor predisposition; Hereditary Cancer Syndrome; Hereditary neoplastic syndrome. Identifiers: Orphanet 140162, MedGen C0027672, MeSH D009386, MONDO:0015356.

gnomAD v4.1: 2 of 1,614,144 alleles (0.00012%); highest among the groups gnomAD compares: Non-Finnish European, 0.00017%; no homozygotes.

Submission:

Color Diagnostics, LLC DBA Color Health
Classification: Uncertain significance for Hereditary cancer-predisposing syndrome. Last evaluated: 2024-03-06. Review status: criteria provided, single submitter. Criteria: ACMG Guidelines, 2015. Collection method: clinical testing. Allele origin: germline.
Comment: This missense variant replaces phenylalanine with leucine at codon 1245 of the MSH6 protein. Computational prediction suggests that this variant may have deleterious impact on protein structure and function (internally defined REVEL score threshold >= 0.7, PMID: 27666373). To our knowledge, functional studies have not been reported for this variant. This variant has not been reported in individuals affected with MSH6-related disorders in the literature. This variant has not been identified in the general population by the Genome Aggregation Database (gnomAD). The available evidence is insufficient to determine the role of this variant in disease conclusively. Therefore, this variant is classified as a Variant of Uncertain Significance.